The following is an entry in ClinVar:

ClinVar aggregate classification (germline): Uncertain significance. Review status: criteria provided, multiple submitters, no conflicts (2 of 4 stars). 10 submissions from 10 submitters: Uncertain significance (9). 1 of the submissions does not count toward it. Last evaluated 2026-05-14.

Conditions:
Ehlers-Danlos syndrome, dermatosparaxis type. Also called: EDS VIIC; Dermatosparaxis; Ehlers-Danlos syndrome, type VII, autosomal recessive. Identifiers: Orphanet 1901, MedGen C2700425, MONDO:0009161, OMIM 225410.

Allele frequency attached by ClinVar (database versions not stated): TOPMed 0.00017; gnomAD exomes 0.00020 and 0.00021; ESP Exome Variant Server 0.00023; gnomAD 0.00023 and 0.00024; ExAC 0.00024.
gnomAD v4.1: 334 of 1,612,876 alleles (0.021%); highest among the groups gnomAD compares: Non-Finnish European, 0.026%; no homozygotes.

Submissions (10):

Women's Health and Genetics/Laboratory Corporation of America, LabCorp
Classification: Uncertain significance. Last evaluated: 2026-05-14. Review status: criteria provided, single submitter. Criteria: LabCorp Variant Classification Summary - May 2015. Collection method: clinical testing. Allele origin: germline.
Comment: Variant summary: ADAMTS2 c.2818G>A (p.Val940Met) results in a conservative amino acid change in the encoded protein sequence. Algorithms developed to predict the effect of missense changes on protein structure and function are either unavailable or do not agree on the potential impact of this missense change. The variant allele was found at a frequency of 0.0002 in 250364 control chromosomes. This frequency is not significantly higher than estimated for disease-causing variants in ADAMTS2, allowing no conclusion about variant significance. To our knowledge, no occurrence of c.2818G>A in individuals affected with ADAMTS2-related conditions and no experimental evidence demonstrating its impact on protein function have been reported. ClinVar contains an entry for this variant (Variation ID: 353095). Based on the evidence outlined above, the variant was classified as uncertain significance.

GeneDx
Classification: Uncertain significance. Last evaluated: 2025-11-04. Review status: criteria provided, single submitter. Criteria: GeneDx Variant Classification Process June 2021. Collection method: clinical testing. Allele origin: germline. Affected: yes.
Comment: Has not been previously published as pathogenic or benign to our knowledge; In silico analysis supports that this missense variant has a deleterious effect on protein structure/function

CeGaT Center for Human Genetics Tuebingen
Classification: Uncertain significance. Last evaluated: 2025-11-01. Review status: criteria provided, single submitter. Criteria: CeGaT Center For Human Genetics Tuebingen Variant Classification Criteria Version 2. Collection method: clinical testing. Allele origin: germline. Affected: yes. Observed: 4 variant alleles.
Comment: ADAMTS2: PM2, BP4

Blueprint Genetics
Classification: Uncertain significance. Last evaluated: 2024-10-14. Review status: criteria provided, single submitter. Criteria: ACMG Guidelines, 2015. Collection method: clinical testing. Allele origin: germline.

Labcorp Genetics (formerly Invitae), Labcorp
Classification: Uncertain significance for Ehlers-Danlos syndrome, dermatosparaxis type. Last evaluated: 2024-01-29. Review status: criteria provided, single submitter. Criteria: Invitae Variant Classification Sherloc (09022015). Collection method: clinical testing. Allele origin: germline.
Comment: This sequence change replaces valine, which is neutral and non-polar, with methionine, which is neutral and non-polar, at codon 940 of the ADAMTS2 protein (p.Val940Met). This variant is present in population databases (rs367796431, gnomAD 0.04%). This variant has not been reported in the literature in individuals affected with ADAMTS2-related conditions. ClinVar contains an entry for this variant (Variation ID: 353095). Algorithms developed to predict the effect of missense changes on protein structure and function output the following: SIFT: "Not Available"; PolyPhen-2: "Possibly Damaging"; Align-GVGD: "Not Available". The methionine amino acid residue is found in multiple mammalian species, which suggests that this missense change does not adversely affect protein function. In summary, the available evidence is currently insufficient to determine the role of this variant in disease. Therefore, it has been classified as a Variant of Uncertain Significance.

Molecular Genetics, Royal Melbourne Hospital
Classification: Uncertain significance for Ehlers-Danlos syndrome, dermatosparaxis type. Last evaluated: 2022-04-05. Review status: criteria provided, single submitter. Criteria: ACMG Guidelines, 2015. Collection method: clinical testing. Allele origin: germline.
Comment: This sequence change in ADAMTS2 is predicted to replace valine with methionine at codon 940, p.(Val940Met). The methionine residue is highly conserved, but methionine is present in two vertebrates (100 vertebrates, UCSC). It is located in thrombospondin type 1 3 domain. There is a moderate physicochemical difference between valine and methionine. ADAMTS2, in which the variant was identified, is a gene for which primarily truncating variants are known to cause disease (ClinVar). The highest population minor allele frequency in gnomAD v2.1 is 0.04% (55/128,324 alleles, 0 homozygotes) in the European (non-Finnish) population, which is consistent with a recessive condition. This variant has been reported as a variant of uncertain significance (ClinVar ID: 353095), and reported heterozygous in a hypermobile Ehlers-Danlos syndrome (DOI 10.1038/s41431-019-0404-7). Multiple lines of computational evidence have conflicting predictions for the missense substitution (4/6 algorithms predict deleterious). Based on the classification scheme RMH Modified ACMG Guidelines v1.4.0, this variant is classified as a VARIANT OF UNCERTAIN SIGNIFICANCE. Following criteria are met: PM2_Supporting, BP1.

Laboratorio de Genetica e Diagnostico Molecular, Hospital Israelita Albert Einstein
Classification: Uncertain significance. Last evaluated: 2021-08-26. Review status: criteria provided, single submitter. Criteria: ACMG Guidelines, 2015. Collection method: clinical testing. Allele origin: germline. Affected: yes.

Mayo Clinic Laboratories, Mayo Clinic
Classification: Uncertain significance. Last evaluated: 2020-04-13. Review status: criteria provided, single submitter. Criteria: ACMG Guidelines, 2015. Collection method: clinical testing. Allele origin: germline. Observed: 1 variant allele.

Illumina Laboratory Services, Illumina
Classification: Uncertain significance for Ehlers-Danlos syndrome, dermatosparaxis type. Last evaluated: 2018-01-13. Review status: criteria provided, single submitter. Criteria: ICSL Variant Classification Criteria 13 December 2019. Collection method: clinical testing. Allele origin: germline.

Natera, Inc.
Classification: Uncertain significance for Ehlers-Danlos syndrome type VIIC. Last evaluated: 2019-11-11. Review status: no assertion criteria provided. Collection method: clinical testing. Allele origin: germline. Not counted in ClinVar's aggregate classification.

NM_014244.5(ADAMTS2):c.2818G>A (p.Val940Met)

Gene: ADAMTS2 (ADAM metallopeptidase with thrombospondin type 1 motif 2; minus strand). Cytogenetic location: 5q35.3.
Variant type: single nucleotide variant.
Coding change: c.2818G>A on transcript NM_014244.5 (MANE Select); coding-DNA position 2818, G replaced by A.
Protein change: p.Val940Met; replaces valine 940 with methionine.
Molecular consequence: missense variant.
Genome position (GRCh38, 1-based): chr5:179,125,113, C>T on the plus strand (G>A on the coding strand, the complement: ADAMTS2 is on the minus strand). VCF-style: chr5-179125113-C-T. GRCh37 (hg19) VCF-style: chr5-178552114-C-T.
Other names: short protein forms V940M.
Identifiers: ClinVar variation 353095 (VCV000353095.67), dbSNP rs367796431, ClinGen allele CA3595407.